The following is an entry in ClinVar:

ClinVar aggregate classification (germline): Likely benign. Review status: criteria provided, multiple submitters, no conflicts (2 of 4 stars). 3 submissions from 3 submitters: Likely benign (2). 1 of the submissions does not count toward it. Last evaluated 2025-12-16.

Conditions:
KIDINS220-related disorder. Also called: KIDINS220-related condition.

Allele frequency attached by ClinVar (database versions not stated): TOPMed below 0.00001; gnomAD exomes 0.00001; ExAC 0.00003; gnomAD 0.00002.
gnomAD v4.1: 17 of 1,614,154 alleles (0.0011%); highest among the groups gnomAD compares: Non-Finnish European, 0.0013%; no homozygotes.

Submissions (3):

Labcorp Genetics (formerly Invitae), Labcorp
Classification: Likely benign. Last evaluated: 2025-12-16. Review status: criteria provided, single submitter. Criteria: Invitae Variant Classification Sherloc (09022015). Collection method: clinical testing. Allele origin: germline.

Women's Health and Genetics/Laboratory Corporation of America, LabCorp
Classification: Likely benign. Last evaluated: 2024-09-09. Review status: criteria provided, single submitter. Criteria: LabCorp Variant Classification Summary - May 2015. Collection method: clinical testing. Allele origin: germline.
Comment: Variant summary: KIDINS220 c.5220A>G alters a conserved nucleotide resulting in a synonymous change. Consensus agreement among computation tools predict no significant impact on normal splicing. However, these predictions have yet to be confirmed by functional studies. The variant allele was found at a frequency of 1.6e-05 in 249582 control chromosomes, predominantly at a frequency of 3.5e-05 within the Non-Finnish European subpopulation in the gnomAD database. The available data on variant occurrences in the general population are insufficient to allow any conclusion about variant significance. To our knowledge, no occurrence of c.5220A>G in individuals affected with Spastic Paraplegia, Intellectual Disability, Nystagmus, And Obesity and no experimental evidence demonstrating its impact on protein function have been reported. ClinVar contains an entry for this variant (Variation ID: 3000164). Based on the evidence outlined above, the variant was classified as likely benign.

PreventionGenetics, part of Exact Sciences
Classification: Likely benign for KIDINS220-related condition. Last evaluated: 2021-05-25. Review status: no assertion criteria provided. Collection method: clinical testing. Allele origin: germline. Not counted in ClinVar's aggregate classification.
Comment: This variant is classified as likely benign based on ACMG/AMP sequence variant interpretation guidelines (Richards et al. 2015 PMID: 25741868, with internal and published modifications).

NM_020738.4(KIDINS220):c.5220A>G (p.Ser1740=)

Gene: KIDINS220 (kinase D interacting substrate 220; minus strand). Cytogenetic location: 2p25.1.
Variant type: single nucleotide variant.
Coding change: c.5220A>G on transcript NM_020738.4 (MANE Select); coding-DNA position 5220, A replaced by G.
Protein change: p.Ser1740=; no amino-acid change (serine 1740 retained).
Molecular consequence: synonymous variant. On other transcripts: intron variant (6).
Genome position (GRCh38, 1-based): chr2:8,730,816, T>C on the plus strand (A>G on the coding strand, the complement: KIDINS220 is on the minus strand). VCF-style: chr2-8730816-T-C. GRCh37 (hg19) VCF-style: chr2-8870946-T-C.
Other names: c.5220A>G (NM_020738.2); c.5223A>G, p.Ser1741= (NM_001348729.2); c.5166A>G, p.Ser1722= (NM_001348731.2); c.5163A>G, p.Ser1721= (NM_001348732.2); c.5052A>G, p.Ser1684= (NM_001348734.2); c.5049A>G, p.Ser1683= (NM_001348735.2); c.4923A>G, p.Ser1641= (NM_001348736.2); c.3882+2628A>G (NM_001348741.2, NM_001348742.2, NM_001348743.2); and 2 more.
Identifiers: ClinVar variation 3000164 (VCV003000164.6), dbSNP rs761325162, ClinGen allele CA1519230.